The following is an entry in ClinVar:

ClinVar aggregate classification (germline): Uncertain significance (1 of 4 stars; one submission).

Allele frequency attached by ClinVar (database versions not stated): gnomAD exomes below 0.00001.
gnomAD v4.1: 1 of 1,606,546 alleles (0.000062%); highest among the groups gnomAD compares: East Asian, 0.0022%; no homozygotes.

Submission:

Labcorp Genetics (formerly Invitae), Labcorp
Classification: Uncertain significance. Last evaluated: 2023-05-18. Review status: criteria provided, single submitter. Criteria: Invitae Variant Classification Sherloc (09022015). Collection method: clinical testing. Allele origin: germline.
Comment: ClinVar contains an entry for this variant (Variation ID: 1345124). In summary, the available evidence is currently insufficient to determine the role of this variant in disease. Therefore, it has been classified as a Variant of Uncertain Significance. This variant has not been reported in the literature in individuals affected with CACNA2D4-related conditions. This variant is not present in population databases (gnomAD no frequency). This sequence change creates a premature translational stop signal (p.Trp67*) in the CACNA2D4 gene. It is expected to result in an absent or disrupted protein product. However, the current clinical and genetic evidence is not sufficient to establish whether loss-of-function variants in CACNA2D4 cause disease.

NM_172364.5(CACNA2D4):c.201G>A (p.Trp67Ter)

Gene: CACNA2D4 (calcium voltage-gated channel auxiliary subunit alpha2delta 4; minus strand). Cytogenetic location: 12p13.33.
Variant type: single nucleotide variant.
Coding change: c.201G>A on transcript NM_172364.5 (MANE Select); coding-DNA position 201, G replaced by A.
Protein change: p.Trp67Ter; replaces tryptophan 67 with a stop codon.
Molecular consequence: nonsense.
Genome position (GRCh38, 1-based): chr12:1,918,273, C>T on the plus strand (G>A on the coding strand, the complement: CACNA2D4 is on the minus strand). VCF-style: chr12-1918273-C-T. GRCh37 (hg19) VCF-style: chr12-2027439-C-T.
Other names: short protein forms W67*.
Identifiers: ClinVar variation 1345124 (VCV001345124.6), dbSNP rs1290498788, ClinGen allele CA383365913.